The following is an entry in ClinVar:

NM_019892.6(INPP5E):c.1280-8T>A

Gene: INPP5E (inositol polyphosphate-5-phosphatase E; minus strand). Cytogenetic location: 9q34.3.
Variant type: single nucleotide variant.
Coding change: c.1280-8T>A on transcript NM_019892.6 (MANE Select); 8 bases into the intron before coding-DNA position 1280, T replaced by A.
Molecular consequence: intron variant.
Genome position (GRCh38, 1-based): chr9:136,432,594, A>T on the plus strand (T>A on the coding strand, the complement: INPP5E is on the minus strand). VCF-style: chr9-136432594-A-T. GRCh37 (hg19) VCF-style: chr9-139327046-A-T.
Other names: c.1280-8T>A (NM_019892.5); c.1280-11T>A (NM_001318502.2).
Identifiers: ClinVar variation 2048595 (VCV002048595.7), dbSNP rs770238852, ClinGen allele CA5336848.

ClinVar aggregate classification (germline): Conflicting classifications of pathogenicity. Review status: criteria provided, conflicting classifications (1 of 4 stars). 3 submissions from 3 submitters: Uncertain significance (1); Likely benign (1). 1 of the submissions does not count toward it. Last evaluated 2024-08-30.

Conditions:
INPP5E-related disorder. Also called: INPP5E-related condition.
Joubert syndrome. Also called: Familial aplasia of the vermis; JOUBERT-BOLTSHAUSER SYNDROME. Identifiers: Orphanet 475, MedGen C5979921, MONDO:0018772.

Allele frequency attached by ClinVar (database versions not stated): gnomAD exomes below 0.00001.

Submissions (3):

Blueprint Genetics
Classification: Uncertain significance. Last evaluated: 2024-08-30. Review status: criteria provided, single submitter. Criteria: ACMG Guidelines, 2015. Collection method: clinical testing. Allele origin: germline.

Labcorp Genetics (formerly Invitae), Labcorp
Classification: Likely benign for Joubert syndrome. Last evaluated: 2023-12-11. Review status: criteria provided, single submitter. Criteria: Invitae Variant Classification Sherloc (09022015). Collection method: clinical testing. Allele origin: germline.

PreventionGenetics, part of Exact Sciences
Classification: Likely benign for INPP5E-related condition. Last evaluated: 2024-02-18. Review status: no assertion criteria provided. Collection method: clinical testing. Allele origin: germline. Not counted in ClinVar's aggregate classification.
Comment: This variant is classified as likely benign based on ACMG/AMP sequence variant interpretation guidelines (Richards et al. 2015 PMID: 25741868, with internal and published modifications).